The following is an entry in ClinVar:

NM_020975.6(RET):c.575C>G (p.Pro192Arg)

Gene: RET (ret proto-oncogene; plus strand). Cytogenetic location: 10q11.21.
Variant type: single nucleotide variant.
Coding change: c.575C>G on transcript NM_020975.6 (MANE Select); coding-DNA position 575, C replaced by G.
Protein change: p.Pro192Arg; replaces proline 192 with arginine.
Molecular consequence: missense variant.
Genome position (GRCh38, 1-based): chr10:43,102,579, C>G. VCF-style: chr10-43102579-C-G. GRCh37 (hg19) VCF-style: chr10-43598027-C-G.
Other names: c.575C>G, p.Pro192Arg (NM_000323.2, NM_001406743.1, NM_001406744.1 and 16 more transcripts); c.446C>G, p.Pro149Arg (NM_001406761.1, NM_001406762.1, NM_001406764.1 and 4 more transcripts); short protein forms P192R, P149R.
Identifiers: ClinVar variation 1749468 (VCV001749468.3), dbSNP rs2492164068, ClinGen allele CA376543547.

ClinVar aggregate classification (germline): Uncertain significance (1 of 4 stars; one submission).

Conditions:
Hereditary cancer-predisposing syndrome. Also called: Hereditary Cancer Syndrome; Hereditary neoplastic syndrome; Neoplastic Syndromes, Hereditary; Tumor predisposition. Identifiers: Orphanet 140162, MedGen C0027672, MeSH D009386, MONDO:0015356.

Allele frequency attached by ClinVar (database versions not stated): gnomAD exomes below 0.00001.
gnomAD v4.1: 2 of 1,614,236 alleles (0.00012%); highest among the groups gnomAD compares: Non-Finnish European, 0.00017%; no homozygotes.

Submission:

Ambry Genetics
Classification: Uncertain significance for Hereditary cancer-predisposing syndrome. Last evaluated: 2024-08-27. Review status: criteria provided, single submitter. Criteria: Ambry Variant Classification Scheme 2023. Collection method: clinical testing. Allele origin: germline.
Comment: The p.P192R variant (also known as c.575C>G), located in coding exon 3 of the RET gene, results from a C to G substitution at nucleotide position 575. The proline at codon 192 is replaced by arginine, an amino acid with dissimilar properties. This amino acid position is well conserved in available vertebrate species. In addition, the in silico prediction for this alteration is inconclusive. Based on the available evidence, the clinical significance of this variant remains unclear.